The following is an entry in ClinVar:

NM_001849.4(COL6A2):c.1396-133G>C

Gene: COL6A2 (collagen type VI alpha 2 chain; plus strand). Cytogenetic location: 21q22.3.
Variant type: single nucleotide variant.
Coding change: c.1396-133G>C on transcript NM_001849.4 (MANE Select); 133 bases into the intron before coding-DNA position 1396, G replaced by C.
Molecular consequence: intron variant.
Genome position (GRCh38, 1-based): chr21:46,120,928, G>C. VCF-style: chr21-46120928-G-C. GRCh37 (hg19) VCF-style: chr21-47540842-G-C.
Other names: c.1396-133G>C (NM_058175.3, NM_058174.3).
Identifiers: ClinVar variation 680226 (VCV000680226.2), dbSNP rs55964853, ClinGen allele CA14888070.

ClinVar aggregate classification (germline): Benign. Review status: criteria provided, multiple submitters, no conflicts (2 of 4 stars). 2 submissions from 2 submitters: Benign (2). Last evaluated 2018-06-19.

Allele frequency attached by ClinVar (database versions not stated): 1000 Genomes Project 0.07428; 1000 Genomes Project 30x 0.07636; TOPMed 0.12078.
gnomAD v4.1: 120,310 of 840,154 alleles (14%); highest among the groups gnomAD compares: Non-Finnish European, 19%; 10,391 homozygotes.

Submissions (2):

GeneDx
Classification: Benign. Last evaluated: 2018-06-19. Review status: criteria provided, single submitter. Criteria: GeneDx Variant Classification (06012015). Collection method: clinical testing. Allele origin: germline. Affected: yes.
Comment: This variant is considered likely benign or benign based on one or more of the following criteria: it is a conservative change, it occurs at a poorly conserved position in the protein, it is predicted to be benign by multiple in silico algorithms, and/or has population frequency not consistent with disease.

Breakthrough Genomics
Classification: Benign. Review status: criteria provided, single submitter. Criteria: ACMG Guidelines, 2015. Collection method: not provided. Allele origin: germline. Inheritance: Autosomal recessive inheritance. Affected: yes.